The following is an entry in ClinVar:

ClinVar aggregate classification (germline): Uncertain significance (1 of 4 stars; one submission).

Conditions:
Charcot-Marie-Tooth disease axonal type 2L. Also called: Charcot-Marie-Tooth Neuropathy Type 2L; CHARCOT-MARIE-TOOTH DISEASE, AXONAL, AUTOSOMAL DOMINANT, TYPE 2L; CHARCOT-MARIE-TOOTH NEUROPATHY, AXONAL, TYPE 2L. Identifiers: Orphanet 99945, MedGen C1837552, MONDO:0012096, OMIM 608673.

Submission:

Centre for Mendelian Genomics, University Medical Centre Ljubljana
Classification: Uncertain significance for Charcot-Marie-Tooth disease axonal type 2L. Last evaluated: 2020-01-08. Review status: criteria provided, single submitter. Criteria: ACMG Guidelines, 2015. Collection method: clinical testing. Allele origin: unknown. Affected: yes.
Comment: This variant was classified as: Uncertain significance. The available evidence on this variant's pathogenicity is insufficient or conflicting. The following ACMG criteria were applied in classifying this variant: PM2,BP4.

NM_014365.3(HSPB8):c.367+57del

Gene: HSPB8 (heat shock protein family B (small) member 8; plus strand). Cytogenetic location: 12q24.23.
Variant type: Deletion.
Coding change: c.367+57del on transcript NM_014365.3 (MANE Select); 57 bases into the intron after coding-DNA position 367, one base deleted (C; older notation c.367+57delC).
Molecular consequence: intron variant.
Genome position (GRCh38, 1-based): chr12:119,179,736, C deleted; the last of 3 consecutive C bases (chr12:119,179,734-119,179,736); deleting any one gives the same sequence. VCF-style (leftmost placement, unchanged base first): chr12-119179733-GC-G. GRCh37 (hg19) VCF-style: chr12-119617538-GC-G.
Identifiers: ClinVar variation 931761 (VCV000931761.3), dbSNP rs1181413905, ClinGen allele CA684294286.